The following is an entry in ClinVar:

ClinVar aggregate classification (germline): Uncertain significance. Review status: criteria provided, multiple submitters, no conflicts (2 of 4 stars). 2 submissions from 2 submitters: Uncertain significance (2). Last evaluated 2024-11-22.

Conditions:
Inborn genetic diseases. Identifiers: MedGen C0950123, MeSH D030342.

gnomAD v4.1: 14 of 1,613,856 alleles (0.00087%); highest among the groups gnomAD compares: Non-Finnish European, 0.0012%; no homozygotes.

Submissions (2):

Ambry Genetics
Classification: Uncertain significance for Inborn genetic diseases. Last evaluated: 2024-11-22. Review status: criteria provided, single submitter. Criteria: Ambry Variant Classification Scheme 2023. Collection method: clinical testing. Allele origin: germline.
Comment: The p.I557S variant (also known as c.1670T>G), located in coding exon 1 of the SAMD9 gene, results from a T to G substitution at nucleotide position 1670. The isoleucine at codon 557 is replaced by serine, an amino acid with dissimilar properties. This amino acid position is conserved. In addition, this alteration is predicted to be tolerated by in silico analysis. Based on the available evidence, the clinical significance of this variant remains unclear.

GeneDx
Classification: Uncertain significance. Last evaluated: 2024-01-04. Review status: criteria provided, single submitter. Criteria: GeneDx Variant Classification Process June 2021. Collection method: clinical testing. Allele origin: germline. Affected: yes.
Comment: Not observed at significant frequency in large population cohorts (gnomAD); In silico analysis supports that this missense variant does not alter protein structure/function; Has not been previously published as pathogenic or benign to our knowledge; This variant is associated with the following publications: (PMID: 28545555)

NM_017654.4(SAMD9):c.1670T>G (p.Ile557Ser)

Gene: SAMD9 (sterile alpha motif domain containing 9; minus strand). Cytogenetic location: 7q21.2.
Variant type: single nucleotide variant.
Coding change: c.1670T>G on transcript NM_017654.4 (MANE Select); coding-DNA position 1670, T replaced by G.
Protein change: p.Ile557Ser; replaces isoleucine 557 with serine.
Molecular consequence: missense variant.
Genome position (GRCh38, 1-based): chr7:93,104,428, A>C on the plus strand (T>G on the coding strand, the complement: SAMD9 is on the minus strand). VCF-style: chr7-93104428-A-C. GRCh37 (hg19) VCF-style: chr7-92733741-A-C.
Other names: c.1670T>G, p.Ile557Ser (NM_001193307.2); short protein forms I557S.
Identifiers: ClinVar variation 3367477 (VCV003367477.2).
Genomic context (GRCh38, chr7:93,104,428, plus strand): 5'-CAAATACACAGTATATTTTCCATTCCTTTGAGATCCTGGTAGAAAGCACAGAAAGTCTCA[A>C]TGAGGGGATCTCTTGGGTCATCCACAGAGGACAGTAATAGAAATACCACCAAAAACTTCC-3'
Protein context (NP_060124.2, residues 547-567): SSVDDPRDPL[Ile557Ser]ETFCAFYQDL